The following is an entry in ClinVar:

ClinVar aggregate classification (germline): Uncertain significance (1 of 4 stars; one submission).

Conditions:
Intellectual developmental disorder, autosomal dominant 1. Also called: Intellectual disability, autosomal dominant 1; MBD5 Haploinsufficiency. Identifiers: Orphanet 228402, MedGen C1969562, MONDO:0007974, OMIM 156200.

Submission:

Labcorp Genetics (formerly Invitae), Labcorp
Classification: Uncertain significance for Intellectual developmental disorder, autosomal dominant 1. Last evaluated: 2023-01-23. Review status: criteria provided, single submitter. Criteria: Invitae Variant Classification Sherloc (09022015). Collection method: clinical testing. Allele origin: germline.
Comment: In summary, the available evidence is currently insufficient to determine the role of this variant in disease. Therefore, it has been classified as a Variant of Uncertain Significance. Advanced modeling of protein sequence and biophysical properties (such as structural, functional, and spatial information, amino acid conservation, physicochemical variation, residue mobility, and thermodynamic stability) has been performed at Invitae for this missense variant, however the output from this modeling did not meet the statistical confidence thresholds required to predict the impact of this variant on MBD5 protein function. This variant has not been reported in the literature in individuals affected with MBD5-related conditions. This variant is not present in population databases (gnomAD no frequency). This sequence change replaces arginine, which is basic and polar, with glycine, which is neutral and non-polar, at codon 659 of the MBD5 protein (p.Arg659Gly).

NM_001378120.1(MBD5):c.1975A>G (p.Arg659Gly)

Gene: MBD5 (methyl-CpG binding domain protein 5; plus strand). Cytogenetic location: 2q23.1.
Variant type: single nucleotide variant.
Coding change: c.1975A>G on transcript NM_001378120.1 (MANE Select); coding-DNA position 1975, A replaced by G.
Protein change: p.Arg659Gly; replaces arginine 659 with glycine.
Molecular consequence: missense variant.
Genome position (GRCh38, 1-based): chr2:148,469,918, A>G. VCF-style: chr2-148469918-A-G. GRCh37 (hg19) VCF-style: chr2-149227487-A-G.
Other names: c.1975A>G, p.Arg659Gly (NM_018328.5); short protein forms R659G.
Identifiers: ClinVar variation 2157304 (VCV002157304.4), dbSNP rs2469871835, ClinGen allele CA348720843.